The following is an entry in ClinVar:

ClinVar aggregate classification (germline): Uncertain significance. Review status: criteria provided, multiple submitters, no conflicts (2 of 4 stars). 2 submissions from 2 submitters: Uncertain significance (2). Last evaluated 2025-12-10.

Conditions:
Glycine encephalopathy. Also called: Non-ketotic hyperglycinemia; Nonketotic hyperglycinemia. Identifiers: Orphanet 407, MedGen C0751748, MONDO:0011612, HP:0008288.

Allele frequency attached by ClinVar (database versions not stated): TOPMed below 0.00001; gnomAD exomes 0.00001.
gnomAD v4.1: 4 of 1,613,994 alleles (0.00025%); highest among the groups gnomAD compares: Admixed American, 0.0067%; no homozygotes.

Submissions (2):

Greenwood Genetic Center Diagnostic Laboratories, Greenwood Genetic Center
Classification: Uncertain significance. Last evaluated: 2025-12-10. Review status: criteria provided, single submitter. Criteria: ACMG Guidelines, 2015. Collection method: clinical testing. Allele origin: germline. Affected: yes.
Comment: PM2

Labcorp Genetics (formerly Invitae), Labcorp
Classification: Uncertain significance for Glycine encephalopathy. Last evaluated: 2021-08-30. Review status: criteria provided, single submitter. Criteria: Invitae Variant Classification Sherloc (09022015). Collection method: clinical testing. Allele origin: germline.
Comment: This sequence change replaces leucine with proline at codon 57 of the AMT protein (p.Leu57Pro). The leucine residue is moderately conserved and there is a moderate physicochemical difference between leucine and proline. This variant is not present in population databases (ExAC no frequency). This variant has not been reported in the literature in individuals affected with AMT-related conditions. Advanced modeling of protein sequence and biophysical properties (such as structural, functional, and spatial information, amino acid conservation, physicochemical variation, residue mobility, and thermodynamic stability) performed at Invitae indicates that this missense variant is expected to disrupt AMT protein function. In summary, the available evidence is currently insufficient to determine the role of this variant in disease. Therefore, it has been classified as a Variant of Uncertain Significance.

NM_000481.4(AMT):c.170T>C (p.Leu57Pro)

Gene: AMT (aminomethyltransferase; minus strand). Cytogenetic location: 3p21.31.
Variant type: single nucleotide variant.
Coding change: c.170T>C on transcript NM_000481.4 (MANE Select); coding-DNA position 170, T replaced by C.
Protein change: p.Leu57Pro; replaces leucine 57 with proline.
Molecular consequence: missense variant. On other transcripts: non-coding transcript variant (1), intron variant (1).
Genome position (GRCh38, 1-based): chr3:49,422,192, A>G on the plus strand (T>C on the coding strand, the complement: AMT is on the minus strand). VCF-style: chr3-49422192-A-G. GRCh37 (hg19) VCF-style: chr3-49459625-A-G.
Other names: c.170T>C, p.Leu57Pro (NM_001164710.2, NM_001164712.2); c.90+169T>C (NM_001164711.2); short protein forms L57P.
Identifiers: ClinVar variation 1437513 (VCV001437513.6), dbSNP rs1439129399, ClinGen allele CA352791189.